The following is an entry in ClinVar:

NM_020433.5(JPH2):c.1736C>G (p.Pro579Arg)

Gene: JPH2 (junctophilin 2; minus strand). Cytogenetic location: 20q13.12.
Variant type: single nucleotide variant.
Coding change: c.1736C>G on transcript NM_020433.5 (MANE Select); coding-DNA position 1736, C replaced by G.
Protein change: p.Pro579Arg; replaces proline 579 with arginine.
Molecular consequence: missense variant.
Genome position (GRCh38, 1-based): chr20:44,115,939, G>C on the plus strand (C>G on the coding strand, the complement: JPH2 is on the minus strand). VCF-style: chr20-44115939-G-C. GRCh37 (hg19) VCF-style: chr20-42744579-G-C.
Other names: short protein forms P579R.
Identifiers: ClinVar variation 2451746 (VCV002451746.2), dbSNP rs953353202, ClinGen allele CA409100030.

ClinVar aggregate classification (germline): Uncertain significance (1 of 4 stars; one submission).

Conditions:
Cardiovascular phenotype. Identifiers: MedGen CN230736.

gnomAD v4.1: 2 of 1,568,946 alleles (0.00013%); highest among the groups gnomAD compares: Non-Finnish European, 0.00017%; no homozygotes.

Submission:

Ambry Genetics
Classification: Uncertain significance for Cardiovascular phenotype. Last evaluated: 2022-12-14. Review status: criteria provided, single submitter. Criteria: Ambry Variant Classification Scheme 2023. Collection method: clinical testing. Allele origin: germline.
Comment: The p.P579R variant (also known as c.1736C>G), located in coding exon 4 of the JPH2 gene, results from a C to G substitution at nucleotide position 1736. The proline at codon 579 is replaced by arginine, an amino acid with dissimilar properties. This amino acid position is conserved. In addition, this alteration is predicted to be tolerated by in silico analysis. Since supporting evidence is limited at this time, the clinical significance of this alteration remains unclear.